The following is an entry in ClinVar:

NM_001145809.2(MYH14):c.2717C>T (p.Thr906Met)

Gene: MYH14 (myosin heavy chain 14; plus strand). Cytogenetic location: 19q13.33.
Variant type: single nucleotide variant.
Coding change: c.2717C>T on transcript NM_001145809.2 (MANE Select); coding-DNA position 2717, C replaced by T.
Protein change: p.Thr906Met; replaces threonine 906 with methionine.
Molecular consequence: missense variant.
Genome position (GRCh38, 1-based): chr19:50,266,899, C>T. VCF-style: chr19-50266899-C-T. GRCh37 (hg19) VCF-style: chr19-50770156-C-T.
Other names: c.2618C>T, p.Thr873Met (NM_001077186.2); c.2594C>T, p.Thr865Met (NM_024729.4); c.2717C>T (NM_001145809.1); short protein forms T865M, T873M, T906M.
Identifiers: ClinVar variation 1303155 (VCV001303155.5), dbSNP rs2035101711, ClinGen allele CA406947542.

ClinVar aggregate classification (germline): Uncertain significance. Review status: criteria provided, multiple submitters, no conflicts (2 of 4 stars). 2 submissions from 2 submitters: Uncertain significance (2). Last evaluated 2024-10-14.

Conditions:
MYH14-related disorder. Also called: MYH14-related condition.

Allele frequency attached by ClinVar (database versions not stated): gnomAD exomes below 0.00001.

Submissions (2):

GeneDx
Classification: Uncertain significance. Last evaluated: 2024-10-14. Review status: criteria provided, single submitter. Criteria: GeneDx Variant Classification Process June 2021. Collection method: clinical testing. Allele origin: germline. Affected: yes.
Comment: Not observed at significant frequency in large population cohorts (gnomAD); In silico analysis supports that this missense variant has a deleterious effect on protein structure/function; This variant is associated with the following publications: (PMID: 25289672)

PreventionGenetics, part of Exact Sciences
Classification: Uncertain significance for MYH14-related condition. Last evaluated: 2022-10-14. Review status: criteria provided, single submitter. Criteria: ACMG Guidelines, 2015. Collection method: clinical testing. Allele origin: germline.
Comment: The MYH14 c.2717C>T variant is predicted to result in the amino acid substitution p.Thr906Met. On an alternative transcript (NM_024729), this variant is referred to as c.2594C>T (p.Thr865Met). This variant has been reported in multiple related individuals with hearing loss, however multiple other suspicious variants were also detected in this family (reported as c.2594C>T (p.T865M) in Qing et al. 2014. PubMed ID: 25289672). This variant has not been reported in a large population database, indicating this variant is rare. At this time, the clinical significance of this variant is uncertain due to the absence of conclusive functional and genetic evidence.